The following is an entry in ClinVar:

NM_020843.4(SCAPER):c.4200dup (p.Ter1401IleextTer?)

Gene: SCAPER (S-phase cyclin A associated protein in the ER; minus strand). Cytogenetic location: 15q24.3.
Variant type: Duplication.
Coding change: c.4200dup on transcript NM_020843.4 (MANE Select); coding-DNA position 4200, one base duplicated (A; older notation c.4200dupA).
Protein change: p.Ter1401IleextTer?.
Molecular consequence: frameshift variant, stop lost. On other transcripts: non-coding transcript variant (1).
Genome position (GRCh38, 1-based): chr15:76,348,636, T duplicated on the plus strand (A on the coding strand, the reverse complement: SCAPER is on the minus strand); the first of 6 consecutive T bases (chr15:76,348,636-76,348,641); duplicating any one gives the same sequence. VCF-style (leftmost placement, unchanged base first): chr15-76348635-A-AT. GRCh37 (hg19) VCF-style: chr15-76640976-A-AT.
Other names: c.3462dup, p.Ter1155IleextTer? (NM_001145923.2); c.4218dup, p.Ter1407IleextTer? (NM_001353009.2); c.3798dup, p.Ter1267IleextTer? (NM_001353010.2, NM_001353012.2); c.3816dup, p.Ter1273IleextTer? (NM_001353011.2).
Identifiers: ClinVar variation 5000878 (VCV005000878.1).
Genomic context (GRCh38, chr15:76,348,635, plus strand): 5'-TGTTTGGACAATTTAAAATATTAACAAGGGTACTCAAATACAGAATCAACCAAAACATTT[A>AT]TTTTTTCTCTTTTTTCAAGAAAAACTGTCGAGCTTCTTCCCAGGCCTGCTGAGGAAATCT-3'

ClinVar aggregate classification (germline): Uncertain significance (1 of 4 stars; one submission).

Conditions:
SCAPER-related disorder. Also called: SCAPER-related condition.

Submission:

PreventionGenetics, part of Exact Sciences
Classification: Uncertain significance for SCAPER-related condition. Last evaluated: 2025-07-16. Review status: criteria provided, single submitter. Criteria: ACMG Guidelines, 2015. Collection method: clinical testing. Allele origin: germline.
Comment: The SCAPER c.4218dupA variant is predicted to result in extension of the open reading frame (p.*1407Ileext*13). To our knowledge, this variant has not been reported in the literature or in a large population database (gnomAD), indicating this variant is rare. At this time, the clinical significance of this variant is uncertain due to the absence of conclusive functional and genetic evidence.